The following is an entry in ClinVar:

NM_007194.4(CHEK2):c.218C>G (p.Ser73Cys)

Gene: CHEK2 (checkpoint kinase 2; minus strand). Cytogenetic location: 22q12.1.
Variant type: single nucleotide variant.
Coding change: c.218C>G on transcript NM_007194.4 (MANE Select); coding-DNA position 218, C replaced by G.
Protein change: p.Ser73Cys; replaces serine 73 with cysteine.
Molecular consequence: missense variant.
Genome position (GRCh38, 1-based): chr22:28,734,504, G>C on the plus strand (C>G on the coding strand, the complement: CHEK2 is on the minus strand). VCF-style: chr22-28734504-G-C. GRCh37 (hg19) VCF-style: chr22-29130492-G-C.
Other names: c.218C>G, p.Ser73Cys (NM_001005735.3, NM_001349956.3, NM_145862.3); c.-560C>G (NM_001257387.3); c.218C>G (NM_007194.3); short protein forms S73C.
Identifiers: ClinVar variation 1414286 (VCV001414286.9), dbSNP rs2054318997, ClinGen allele CA411090731.

ClinVar aggregate classification (germline): Uncertain significance. Review status: criteria provided, multiple submitters, no conflicts (2 of 4 stars). 3 submissions from 3 submitters: Uncertain significance (3). Last evaluated 2026-05-14.

Conditions:
Hereditary cancer-predisposing syndrome. Also called: Tumor predisposition; Neoplastic Syndromes, Hereditary; Hereditary Cancer Syndrome; Hereditary neoplastic syndrome. Identifiers: Orphanet 140162, MedGen C0027672, MeSH D009386, MONDO:0015356.
Familial cancer of breast. Also called: BREAST CANCER, FAMILIAL; Hereditary breast cancer; hereditary breast carcinoma. Identifiers: Orphanet 227535, MedGen C0346153, MONDO:0016419, OMIM 114480. Disease mechanism: loss of function.

Allele frequency attached by ClinVar (database versions not stated): TOPMed below 0.00001.
gnomAD v4.1: 1 of 1,614,032 alleles (0.000062%); no homozygotes.

Submissions (3):

Ambry Genetics
Classification: Uncertain significance for Hereditary cancer-predisposing syndrome. Last evaluated: 2026-05-14. Review status: criteria provided, single submitter. Criteria: Ambry Variant Classification Scheme 2023. Collection method: clinical testing. Allele origin: germline.
Comment: The p.S73C variant (also known as c.218C>G), located in coding exon 1 of the CHEK2 gene, results from a C to G substitution at nucleotide position 218. The serine at codon 73 is replaced by cysteine, an amino acid with dissimilar properties. This amino acid position is highly conserved in available vertebrate species. In addition, the in silico prediction for this alteration is inconclusive. Based on the available evidence, the clinical significance of this variant remains unclear.

Color Diagnostics, LLC DBA Color Health
Classification: Uncertain significance for Hereditary cancer-predisposing syndrome. Last evaluated: 2025-04-14. Review status: criteria provided, single submitter. Criteria: ACMG Guidelines, 2015. Collection method: clinical testing. Allele origin: germline.
Comment: This missense variant replaces serine with cysteine at codon 73 of the CHEK2 protein. Computational prediction suggests that this variant may not impact protein structure and function. To our knowledge, functional studies have not been reported for this variant. This variant has not been reported in individuals affected with CHEK2-related disorders in the literature. This variant has not been identified in the general population by the Genome Aggregation Database (gnomAD). The available evidence is insufficient to determine the role of this variant in disease conclusively. Therefore, this variant is classified as a Variant of Uncertain Significance.

Labcorp Genetics (formerly Invitae), Labcorp
Classification: Uncertain significance for Familial cancer of breast. Last evaluated: 2022-11-03. Review status: criteria provided, single submitter. Criteria: Invitae Variant Classification Sherloc (09022015). Collection method: clinical testing. Allele origin: germline.
Comment: This variant has not been reported in the literature in individuals affected with CHEK2-related conditions. In summary, the available evidence is currently insufficient to determine the role of this variant in disease. Therefore, it has been classified as a Variant of Uncertain Significance. Algorithms developed to predict the effect of missense changes on protein structure and function (SIFT, PolyPhen-2, Align-GVGD) all suggest that this variant is likely to be disruptive. ClinVar contains an entry for this variant (Variation ID: 1414286). This variant is not present in population databases (gnomAD no frequency). This sequence change replaces serine, which is neutral and polar, with cysteine, which is neutral and slightly polar, at codon 73 of the CHEK2 protein (p.Ser73Cys).